The following is an entry in ClinVar:

ClinVar aggregate classification (germline): Likely pathogenic. Review status: criteria provided, multiple submitters, no conflicts (2 of 4 stars). 2 submissions from 2 submitters: Likely pathogenic (2). Last evaluated 2025-03-14.

Conditions:
BAG3-related disorder. Also called: BAG3-related condition.
Cardiovascular phenotype. Identifiers: MedGen CN230736.

Submissions (2):

Ambry Genetics
Classification: Likely pathogenic for Cardiovascular phenotype. Last evaluated: 2025-03-14. Review status: criteria provided, single submitter. Criteria: Ambry Variant Classification Scheme 2023. Collection method: clinical testing. Allele origin: germline.
Comment: The c.1326delT variant, located in coding exon 4 of the BAG3 gene, results from a deletion of one nucleotide at nucleotide position 1326, causing a translational frameshift with a predicted alternate stop codon (p.F442Lfs*11). This alteration occurs at the 3' terminus of theBAG3 gene, is not expected to trigger nonsense-mediated mRNA decay, and impacts the last 23% of the protein. However, premature stop codons are typically deleterious in nature and a significant portion of the protein is affected (Ambry internal data). This variant is considered to be rare based on population cohorts in the Genome Aggregation Database (gnomAD). Based on the majority of available evidence to date, this variant is likely to be pathogenic.

Blueprint Genetics
Classification: Likely pathogenic for BAG3-related disorders. Last evaluated: 2024-09-09. Review status: criteria provided, single submitter. Criteria: ACMG Guidelines, 2015. Collection method: clinical testing. Allele origin: germline. Affected: yes. Observed: 2 variant alleles.

NM_004281.4(BAG3):c.1326del (p.Phe442fs)

Gene: BAG3 (BAG cochaperone 3; plus strand). Cytogenetic location: 10q26.11.
Variant type: Deletion.
Coding change: c.1326del on transcript NM_004281.4 (MANE Select); coding-DNA position 1326, one base deleted (T; older notation c.1326delT).
Protein change: p.Phe442fs; shifts the reading frame from phenylalanine 442.
Molecular consequence: frameshift variant.
Genome position (GRCh38, 1-based): chr10:119,676,880, T deleted; the last of 3 consecutive T bases (chr10:119,676,878-119,676,880); deleting any one gives the same sequence. VCF-style (leftmost placement, unchanged base first): chr10-119676877-CT-C. GRCh37 (hg19) VCF-style: chr10-121436389-CT-C.
Other names: short protein forms F442fs.
Identifiers: ClinVar variation 3817068 (VCV003817068.2).